The following is an entry in ClinVar:

NM_001369268.1(ACAN):c.1762C>G (p.Gln588Glu)

Gene: ACAN (aggrecan; plus strand). Cytogenetic location: 15q26.1.
Variant type: single nucleotide variant.
Coding change: c.1762C>G on transcript NM_001369268.1 (MANE Select); coding-DNA position 1762, C replaced by G.
Protein change: p.Gln588Glu; replaces glutamine 588 with glutamic acid.
Molecular consequence: missense variant.
Genome position (GRCh38, 1-based): chr15:88,849,467, C>G. VCF-style: chr15-88849467-C-G. GRCh37 (hg19) VCF-style: chr15-89392698-C-G.
Other names: c.1762C>G, p.Gln588Glu (NM_001135.4, NM_001411096.1, NM_001411097.1 and 1 more transcripts); short protein forms Q588E.
Identifiers: ClinVar variation 2838965 (VCV002838965.3), dbSNP rs1896877592, ClinGen allele CA393711207.

ClinVar aggregate classification (germline): Uncertain significance (1 of 4 stars; one submission).

Allele frequency attached by ClinVar (database versions not stated): gnomAD exomes below 0.00001.
gnomAD v4.1: 7 of 1,603,564 alleles (0.00044%); highest among the groups gnomAD compares: Non-Finnish European, 0.00051%; no homozygotes.

Submission:

Labcorp Genetics (formerly Invitae), Labcorp
Classification: Uncertain significance. Last evaluated: 2023-03-08. Review status: criteria provided, single submitter. Criteria: Invitae Variant Classification Sherloc (09022015). Collection method: clinical testing. Allele origin: germline.
Comment: This sequence change replaces glutamine, which is neutral and polar, with glutamic acid, which is acidic and polar, at codon 588 of the ACAN protein (p.Gln588Glu). This variant is not present in population databases (gnomAD no frequency). In summary, the available evidence is currently insufficient to determine the role of this variant in disease. Therefore, it has been classified as a Variant of Uncertain Significance. Advanced modeling of protein sequence and biophysical properties (such as structural, functional, and spatial information, amino acid conservation, physicochemical variation, residue mobility, and thermodynamic stability) performed at Invitae indicates that this missense variant is not expected to disrupt ACAN protein function. This variant has not been reported in the literature in individuals affected with ACAN-related conditions.